The following is an entry in ClinVar:

ClinVar aggregate classification (germline): Uncertain significance (1 of 4 stars; one submission).

Submission:

Labcorp Genetics (formerly Invitae), Labcorp
Classification: Uncertain significance. Last evaluated: 2023-08-14. Review status: criteria provided, single submitter. Criteria: Invitae Variant Classification Sherloc (09022015). Collection method: clinical testing. Allele origin: germline.
Comment: This sequence change replaces serine, which is neutral and polar, with cysteine, which is neutral and slightly polar, at codon 872 of the HK1 protein (p.Ser872Cys). This variant is not present in population databases (gnomAD no frequency). This variant has not been reported in the literature in individuals affected with HK1-related conditions. Advanced modeling of protein sequence and biophysical properties (such as structural, functional, and spatial information, amino acid conservation, physicochemical variation, residue mobility, and thermodynamic stability) performed at Invitae indicates that this missense variant is not expected to disrupt HK1 protein function. In summary, the available evidence is currently insufficient to determine the role of this variant in disease. Therefore, it has been classified as a Variant of Uncertain Significance.

NM_000188.3(HK1):c.2615C>G (p.Ser872Cys)

Gene: HK1 (hexokinase 1; plus strand). Cytogenetic location: 10q22.1.
Variant type: single nucleotide variant.
Coding change: c.2615C>G on transcript NM_000188.3 (MANE Select); coding-DNA position 2615, C replaced by G.
Protein change: p.Ser872Cys; replaces serine 872 with cysteine.
Molecular consequence: missense variant.
Genome position (GRCh38, 1-based): chr10:69,400,996, C>G. VCF-style: chr10-69400996-C-G. GRCh37 (hg19) VCF-style: chr10-71160752-C-G.
Other names: c.2627C>G, p.Ser876Cys (NM_001322364.2, NM_001358263.1, NM_033497.3 and 1 more transcripts); c.2720C>G, p.Ser907Cys (NM_001322365.2); c.2531C>G, p.Ser844Cys (NM_001322366.1); c.2519C>G, p.Ser840Cys (NM_001322367.1); c.2612C>G, p.Ser871Cys (NM_033496.3); c.2579C>G, p.Ser860Cys (NM_033500.2); short protein forms S844C, S872C, S860C, S876C, S840C, S871C, S907C.
Identifiers: ClinVar variation 2852733 (VCV002852733.3), dbSNP rs2540494716, ClinGen allele CA376918003.
Genomic context (GRCh38, chr10:69,400,996, plus strand): 5'-GGCCCAGCGTCTCTCATCTTCCTCCAACTACCTTCTGTTTTCTCGTCCTTTTTAGCTTCT[C>G]CAGAATCATGCACCAGACGGTGAAGGAACTGTCACCAAAATGTAACGTGTCCTTCCTCCT-3'
Protein context (NP_000179.2, residues 862-882): GTLYKLHPHF[Ser872Cys]RIMHQTVKEL